The following is an entry in ClinVar:

NM_001283009.2(RTEL1):c.1374C>G (p.Phe458Leu)

Genes: RTEL1 (regulator of telomere elongation helicase 1; plus strand), RTEL1-TNFRSF6B (RTEL1-TNFRSF6B readthrough (NMD candidate); plus strand). Cytogenetic location: 20q13.33.
Variant type: single nucleotide variant.
Coding change: c.1374C>G on transcript NM_001283009.2 (MANE Select); coding-DNA position 1374, C replaced by G.
Protein change: p.Phe458Leu; replaces phenylalanine 458 with leucine.
Molecular consequence: missense variant. On other transcripts: non-coding transcript variant (1).
Genome position (GRCh38, 1-based): chr20:63,687,663, C>G. VCF-style: chr20-63687663-C-G. GRCh37 (hg19) VCF-style: chr20-62319016-C-G.
Other names: c.705C>G, p.Phe235Leu (NM_001283010.1); c.1374C>G, p.Phe458Leu (NM_016434.4); c.1446C>G, p.Phe482Leu (NM_032957.5); short protein forms F235L, F458L, F482L.
Identifiers: ClinVar variation 4825676 (VCV004825676.1).

ClinVar aggregate classification (germline): Uncertain significance (1 of 4 stars; one submission).

Conditions:
Inborn genetic diseases. Identifiers: MedGen C0950123, MeSH D030342.

Submission:

Ambry Genetics
Classification: Uncertain significance for Inborn genetic diseases. Last evaluated: 2026-02-14. Review status: criteria provided, single submitter. Criteria: Ambry Variant Classification Scheme 2023. Collection method: clinical testing. Allele origin: germline.
Comment: The p.F458L variant (also known as c.1374C>G), located in coding exon 16 of the RTEL1 gene, results from a C to G substitution at nucleotide position 1374. The phenylalanine at codon 458 is replaced by leucine, an amino acid with highly similar properties. This amino acid position is conserved. In addition, the in silico prediction for this alteration is inconclusive. Based on the available evidence, the clinical significance of this variant remains unclear.